The following is an entry in ClinVar:

NM_006306.4(SMC1A):c.3155C>T (p.Ala1052Val)

Gene: SMC1A (structural maintenance of chromosomes 1A; minus strand). Cytogenetic location: Xp11.22.
Variant type: single nucleotide variant.
Coding change: c.3155C>T on transcript NM_006306.4 (MANE Select); coding-DNA position 3155, C replaced by T.
Protein change: p.Ala1052Val; replaces alanine 1052 with valine.
Molecular consequence: missense variant.
Genome position (GRCh38, 1-based): chrX:53,382,636, G>A on the plus strand (C>T on the coding strand, the complement: SMC1A is on the minus strand). VCF-style: chrX-53382636-G-A. GRCh37 (hg19) VCF-style: chrX-53409557-G-A.
Other names: c.3089C>T, p.Ala1030Val (NM_001281463.1); short protein forms A1052V, A1030V.
Identifiers: ClinVar variation 4055975 (VCV004055975.2).
Genomic context (GRCh38, chrX:53,382,636, plus strand): 5'-GCATTGAAGCGGTCAAAGCGCTCCTTCTTGATCTGTTCGAATGCCTGCTTGGCCTTCTTT[G>A]CTCGCTTTCGGGCTGCTTCAAACTCTGCCAGAAAGAAAGACAGGAGACCCCTCAGTGCCC-3'
Protein context (NP_006297.2, residues 1042-1062): SDEFEAARKR[Ala1052Val]KKAKQAFEQI

ClinVar aggregate classification (germline): Uncertain significance (1 of 4 stars; one submission).

Submission:

GeneDx
Classification: Uncertain significance. Last evaluated: 2026-09-28. Review status: criteria provided, single submitter. Criteria: GeneDx Variant Classification Process June 2021. Collection method: clinical testing. Allele origin: germline.
Comment: Not observed at significant frequency in large population cohorts (gnomAD); Missense variants in this gene are a common cause of disease and they are underrepresented in the general population; In silico analysis supports that this missense variant has a deleterious effect on protein structure/function; Has not been previously published as pathogenic or benign to our knowledge